The following is an entry in ClinVar:

ClinVar aggregate classification (germline): Likely pathogenic (1 of 4 stars; one submission).

Submission:

Labcorp Genetics (formerly Invitae), Labcorp
Classification: Likely pathogenic. Last evaluated: 2024-01-04. Review status: criteria provided, single submitter. Criteria: Invitae Variant Classification Sherloc (09022015). Collection method: clinical testing. Allele origin: germline.
Comment: This sequence change affects a donor splice site in intron 28 of the VPS13A gene. It is expected to disrupt RNA splicing. Variants that disrupt the donor or acceptor splice site typically lead to a loss of protein function (PMID: 16199547), and loss-of-function variants in VPS13A are known to be pathogenic (PMID: 12404112, 21598378). This variant is not present in population databases (gnomAD no frequency). This variant has not been reported in the literature in individuals affected with VPS13A-related conditions. Algorithms developed to predict the effect of sequence changes on RNA splicing suggest that this variant may disrupt the consensus splice site. In summary, the currently available evidence indicates that the variant is pathogenic, but additional data are needed to prove that conclusively. Therefore, this variant has been classified as Likely Pathogenic.

Literature cited by the submitters: PubMed 16199547; PubMed 12404112; PubMed 21598378.

NM_033305.3(VPS13A):c.2964+2T>C

Gene: VPS13A (vacuolar protein sorting 13 homolog A; plus strand). Cytogenetic location: 9q21.2.
Variant type: single nucleotide variant.
Coding change: c.2964+2T>C on transcript NM_033305.3 (MANE Select); the canonical splice donor site of the intron after coding-DNA position 2964, T replaced by C.
Molecular consequence: splice donor variant.
Genome position (GRCh38, 1-based): chr9:77,281,928, T>C. VCF-style: chr9-77281928-T-C. GRCh37 (hg19) VCF-style: chr9-79896844-T-C.
Other names: c.2964+2T>C (NM_001018037.2, NM_015186.4, NM_001018038.3).
Identifiers: ClinVar variation 2707526 (VCV002707526.3), dbSNP rs2537840925, ClinGen allele CA373846275.